The following is an entry in ClinVar:

NM_198859.4(PRICKLE2):c.2080C>A (p.Arg694Ser)

Genes: PRICKLE2 (prickle planar cell polarity protein 2; minus strand), PRICKLE2-AS1 (PRICKLE2 antisense RNA 1; plus strand). Cytogenetic location: 3p14.1.
Variant type: single nucleotide variant.
Coding change: c.2080C>A on transcript NM_198859.4 (MANE Select); coding-DNA position 2080, C replaced by A.
Protein change: p.Arg694Ser; replaces arginine 694 with serine.
Molecular consequence: missense variant. On other transcripts: non-coding transcript variant (1).
Genome position (GRCh38, 1-based): chr3:64,099,506, G>T on the plus strand (C>A on the coding strand, the complement: PRICKLE2 is on the minus strand). VCF-style: chr3-64099506-G-T. GRCh37 (hg19) VCF-style: chr3-64085182-G-T.
Other names: c.2080C>A, p.Arg694Ser (NM_001370528.1); short protein forms R694S.
Identifiers: ClinVar variation 1513996 (VCV001513996.6), dbSNP rs2076619764, ClinGen allele CA353426833.

ClinVar aggregate classification (germline): Uncertain significance (1 of 4 stars; one submission).

Conditions:
Progressive myoclonic epilepsy type 5. Identifiers: Orphanet 402082, MedGen C5190799.

Allele frequency attached by ClinVar (database versions not stated): gnomAD exomes below 0.00001.
gnomAD v4.1: 2 of 1,599,156 alleles (0.00013%); highest among the groups gnomAD compares: Non-Finnish European, 0.00017%; no homozygotes.

Submission:

Labcorp Genetics (formerly Invitae), Labcorp
Classification: Uncertain significance for Progressive myoclonic epilepsy type 5. Last evaluated: 2022-02-09. Review status: criteria provided, single submitter. Criteria: Invitae Variant Classification Sherloc (09022015). Collection method: clinical testing. Allele origin: germline.
Comment: This sequence change replaces arginine, which is basic and polar, with serine, which is neutral and polar, at codon 694 of the PRICKLE2 protein (p.Arg694Ser). This variant is not present in population databases (gnomAD no frequency). This variant has not been reported in the literature in individuals affected with PRICKLE2-related conditions. Algorithms developed to predict the effect of missense changes on protein structure and function (SIFT, PolyPhen-2, Align-GVGD) all suggest that this variant is likely to be disruptive. Algorithms developed to predict the effect of sequence changes on RNA splicing suggest that this variant may create or strengthen a splice site. In summary, the available evidence is currently insufficient to determine the role of this variant in disease. Therefore, it has been classified as a Variant of Uncertain Significance.